The following is an entry in ClinVar:

ClinVar aggregate classification (germline): Pathogenic (1 of 4 stars; one submission).

gnomAD v4.1: 3 of 1,613,768 alleles (0.00019%); highest among the groups gnomAD compares: Non-Finnish European, 0.00025%; no homozygotes.

Submission:

Labcorp Genetics (formerly Invitae), Labcorp
Classification: Pathogenic. Last evaluated: 2024-10-28. Review status: criteria provided, single submitter. Criteria: Invitae Variant Classification Sherloc (09022015). Collection method: clinical testing. Allele origin: germline.
Comment: This sequence change creates a premature translational stop signal (p.Arg321*) in the SLC9A1 gene. It is expected to result in an absent or disrupted protein product. Loss-of-function variants in SLC9A1 are known to be pathogenic (PMID: 10199808, 25205112, 30018422). This variant is present in population databases (rs150618776, gnomAD 0.0009%). This variant has not been reported in the literature in individuals affected with SLC9A1-related conditions. Algorithms developed to predict the effect of variants on gene product structure and function are not available or were not evaluated for this variant. Experimental studies have shown that this premature translational stop signal affects SLC9A1 function (PMID: 27636896). For these reasons, this variant has been classified as Pathogenic.

Literature cited by the submitters: PubMed 10199808; PubMed 25205112; PubMed 30018422; PubMed 27636896.

NM_003047.5(SLC9A1):c.961C>T (p.Arg321Ter)

Gene: SLC9A1 (solute carrier family 9 member A1; minus strand). Cytogenetic location: 1p36.11.
Variant type: single nucleotide variant.
Coding change: c.961C>T on transcript NM_003047.5 (MANE Select); coding-DNA position 961, C replaced by T.
Protein change: p.Arg321Ter; replaces arginine 321 with a stop codon.
Molecular consequence: nonsense. On other transcripts: non-coding transcript variant (1).
Genome position (GRCh38, 1-based): chr1:27,109,630, G>A on the plus strand (C>T on the coding strand, the complement: SLC9A1 is on the minus strand). VCF-style: chr1-27109630-G-A. GRCh37 (hg19) VCF-style: chr1-27436121-G-A.
Other names: short protein forms R321*.
Identifiers: ClinVar variation 3720188 (VCV003720188.2).